The following is an entry in ClinVar:

ClinVar aggregate classification (germline): Pathogenic (1 of 4 stars; one submission).

Conditions:
Treacher Collins syndrome 1 (TCS1). Also called: TCOF1-Related Treacher Collins Syndrome. Identifiers: Orphanet 861, MedGen CN315775, MONDO:0007944, OMIM 154500.

Submission:

Labcorp Genetics (formerly Invitae), Labcorp
Classification: Pathogenic for Treacher Collins syndrome 1. Last evaluated: 2022-06-13. Review status: criteria provided, single submitter. Criteria: Invitae Variant Classification Sherloc (09022015). Collection method: clinical testing. Allele origin: germline.
Comment: For these reasons, this variant has been classified as Pathogenic. This variant is also known as c.2082_2085delTGAG. This premature translational stop signal has been observed in individual(s) with Treacher Collins syndrome (PMID: 15150774). This variant is not present in population databases (gnomAD no frequency). This sequence change creates a premature translational stop signal (p.Ser771Argfs*10) in the TCOF1 gene. It is expected to result in an absent or disrupted protein product. Loss-of-function variants in TCOF1 are known to be pathogenic (PMID: 8894686, 22317976).

Literature cited by the submitters: PubMed 15150774; PubMed 8894686; PubMed 22317976.

NM_001371623.1(TCOF1):c.2313_2316del (p.Ser771fs)

Gene: TCOF1 (treacle ribosome biogenesis factor 1; plus strand). Cytogenetic location: 5q32.
Variant type: Deletion.
Coding change: c.2313_2316del on transcript NM_001371623.1 (MANE Select); coding-DNA positions 2313 to 2316, 4 bases deleted (TGAG; older notation c.2313_2316delTGAG).
Protein change: p.Ser771fs; shifts the reading frame from serine 771.
Molecular consequence: frameshift variant.
Genome position (GRCh38, 1-based): chr5:150,376,593-150,376,596, TGAG deleted; deleting any 4 consecutive bases within chr5:150,376,591-150,376,596 gives the same sequence; the c. name uses the placement nearest the transcript's 3' end. VCF-style (leftmost placement, unchanged base first): chr5-150376590-CAGTG-C. GRCh37 (hg19) VCF-style: chr5-149756153-CAGTG-C.
Other names: c.2082_2085del, p.Ser694fs (NM_000356.4, NM_001135245.2); c.2313_2316del, p.Ser771fs (NM_001008657.3, NM_001135243.2, NM_001135244.2 and 1 more transcripts); short protein forms S694fs, S771fs.
Identifiers: ClinVar variation 2136348 (VCV002136348.4), dbSNP rs2533536617, ClinGen allele CA2580073899.